The following is an entry in ClinVar:

NM_001330078.2(NRXN1):c.1624G>A (p.Ala542Thr)

Gene: NRXN1 (neurexin 1; minus strand). Cytogenetic location: 2p16.3.
Variant type: single nucleotide variant.
Coding change: c.1624G>A on transcript NM_001330078.2 (MANE Select); coding-DNA position 1624, G replaced by A.
Protein change: p.Ala542Thr; replaces alanine 542 with threonine.
Molecular consequence: missense variant.
Genome position (GRCh38, 1-based): chr2:50,552,722, C>T on the plus strand (G>A on the coding strand, the complement: NRXN1 is on the minus strand). VCF-style: chr2-50552722-C-T. GRCh37 (hg19) VCF-style: chr2-50779860-C-T.
Other names: c.1744G>A, p.Ala582Thr (NM_001135659.3); c.1600G>A, p.Ala534Thr (NM_001330077.2, NM_001330082.2, NM_001330095.2); c.1585G>A, p.Ala529Thr (NM_001330083.2, NM_001330084.2); c.1624G>A, p.Ala542Thr (NM_001330085.2, NM_001330086.2, NM_004801.6); c.1540G>A, p.Ala514Thr (NM_001330087.2, NM_001330096.2); c.1570G>A, p.Ala524Thr (NM_001330088.2); c.1621G>A, p.Ala541Thr (NM_001330093.2); c.1612G>A, p.Ala538Thr (NM_001330094.2); short protein forms A541T, A542T, A529T, A538T, A582T, A514T, A524T, A534T.
Identifiers: ClinVar variation 2001720 (VCV002001720.4), dbSNP rs2465826767, ClinGen allele CA346773236.

ClinVar aggregate classification (germline): Uncertain significance (1 of 4 stars; one submission).

Conditions:
Pitt-Hopkins-like syndrome 2 (PTHSL2). Identifiers: Orphanet 221150, Orphanet 600663, MedGen C3280479, MONDO:0013690, OMIM 614325.

Allele frequency attached by ClinVar (database versions not stated): gnomAD exomes below 0.00001.
gnomAD v4.1: 2 of 1,613,980 alleles (0.00012%); highest among the groups gnomAD compares: South Asian, 0.0022%; no homozygotes.

Submission:

Labcorp Genetics (formerly Invitae), Labcorp
Classification: Uncertain significance for Pitt-Hopkins-like syndrome 2. Last evaluated: 2022-06-01. Review status: criteria provided, single submitter. Criteria: Invitae Variant Classification Sherloc (09022015). Collection method: clinical testing. Allele origin: germline.
Comment: This sequence change replaces alanine, which is neutral and non-polar, with threonine, which is neutral and polar, at codon 582 of the NRXN1 protein (p.Ala582Thr). This variant is not present in population databases (gnomAD no frequency). This variant has not been reported in the literature in individuals affected with NRXN1-related conditions. Algorithms developed to predict the effect of missense changes on protein structure and function (SIFT, PolyPhen-2, Align-GVGD) all suggest that this variant is likely to be disruptive. In summary, the available evidence is currently insufficient to determine the role of this variant in disease. Therefore, it has been classified as a Variant of Uncertain Significance.